The following is an entry in ClinVar:

NM_000420.3(KEL):c.1298C>T (p.Pro433Leu)

Gene: KEL (Kell metallo-endopeptidase (Kell blood group); minus strand). Cytogenetic location: 7q34.
Variant type: single nucleotide variant.
Coding change: c.1298C>T on transcript NM_000420.3 (MANE Select); coding-DNA position 1298, C replaced by T.
Protein change: p.Pro433Leu; replaces proline 433 with leucine.
Molecular consequence: missense variant.
Genome position (GRCh38, 1-based): chr7:142,946,223, G>A on the plus strand (C>T on the coding strand, the complement: KEL is on the minus strand). VCF-style: chr7-142946223-G-A. GRCh37 (hg19) VCF-style: chr7-142643310-G-A.
Other names: short protein forms P433L.
Identifiers: ClinVar variation 3600468 (VCV003600468.1).

ClinVar aggregate classification (germline): Uncertain significance (1 of 4 stars; one submission).

gnomAD v4.1: 71 of 1,613,482 alleles (0.0044%); highest among the groups gnomAD compares: Middle Eastern, 0.016%; no homozygotes.

Submission:

Clinical Genomics Laboratory, Washington University in St. Louis
Classification: Uncertain significance. Last evaluated: 2024-05-10. Review status: criteria provided, single submitter. Criteria: ACMG Guidelines, 2015. Collection method: clinical testing. Allele origin: germline.
Comment: A KEL c.1298C>T (p.Pro433Leu) variant was identified at a near heterozygous allelic fraction of 49.5%, a frequency which may be consistent with it being of germline origin. This variant is observed on 71/1,613,482 alleles in the general population (gnomAD v.4.1.0) and it has been reported in an individual with markedly reduced KEL2 antigen expression compared to healthy controls (Körmöczi GF et al., PMID: 17381630). Computational predictors suggest that the variant does not impact KEL function. Due to limited information, and based on ACMG/AMP guidelines for variant interpretation (Richards S et al., PMID: 25741868), the clinical significance of this variant is uncertain at this time.